The following is an entry in ClinVar:

ClinVar aggregate classification (germline): Uncertain significance (1 of 4 stars; one submission).

Submission:

Ambry Genetics
Classification: Uncertain significance. Last evaluated: 2023-12-22. Review status: criteria provided, single submitter. Criteria: Ambry Variant Classification Scheme 2023. Collection method: clinical testing. Allele origin: germline.
Comment: The c.132_133delGA variant, located in coding exon 2 of the RECQL gene, results from a deletion of two nucleotides at nucleotide positions 132 to 133, causing a translational frameshift with a predicted alternate stop codon (p.K45Nfs*9). This alteration is expected to result in loss of function by premature protein truncation or nonsense-mediated mRNA decay. The evidence for this gene-disease relationship is limited; therefore, the clinical significance of this alteration is unclear.

NM_002907.4(RECQL):c.132_133del (p.Lys45fs)

Gene: RECQL (RecQ like helicase; minus strand). Cytogenetic location: 12p12.1.
Variant type: Deletion.
Coding change: c.132_133del on transcript NM_002907.4 (MANE Select); coding-DNA positions 132 to 133, 2 bases deleted (GA; older notation c.132_133delGA).
Protein change: p.Lys45fs; shifts the reading frame from lysine 45.
Molecular consequence: frameshift variant.
Genome position (GRCh38, 1-based): chr12:21,491,600-21,491,601, TC deleted on the plus strand (GA on the coding strand, the reverse complement: RECQL is on the minus strand); deleting any 2 consecutive bases within chr12:21,491,600-21,491,602 gives the same sequence; the c. name uses the placement nearest the transcript's 3' end. VCF-style (leftmost placement, unchanged base first): chr12-21491599-TTC-T. GRCh37 (hg19) VCF-style: chr12-21644533-TTC-T.
Other names: c.132_133del, p.Lys45fs (NM_032941.3); short protein forms K45fs.
Identifiers: ClinVar variation 3222933 (VCV003222933.1), dbSNP rs2540405049, ClinGen allele CA2825002072.